The following is an entry in ClinVar:

ClinVar aggregate classification (germline): Uncertain significance (1 of 4 stars; one submission).

Conditions:
FBXO31-related disorder. Also called: FBXO31-related condition.

Allele frequency attached by ClinVar (database versions not stated): gnomAD exomes below 0.00001; ExAC 0.00001.
gnomAD v4.1: 3 of 1,614,160 alleles (0.00019%); highest among the groups gnomAD compares: Non-Finnish European, 0.00025%; no homozygotes.

Submission:

PreventionGenetics, part of Exact Sciences
Classification: Uncertain significance for FBXO31-related condition. Last evaluated: 2023-02-15. Review status: criteria provided, single submitter. Criteria: ACMG Guidelines, 2015. Collection method: clinical testing. Allele origin: germline.
Comment: The FBXO31 c.496G>A variant is predicted to result in the amino acid substitution p.Gly166Ser. To our knowledge, this variant has not been reported in the literature. This variant is reported in 0.0054% of alleles in individuals of East Asian descent in gnomAD. At this time, the clinical significance of this variant is uncertain due to the absence of conclusive functional and genetic evidence.

NM_024735.5(FBXO31):c.496G>A (p.Gly166Ser)

Gene: FBXO31 (F-box protein 31; minus strand). Cytogenetic location: 16q24.2.
Variant type: single nucleotide variant.
Coding change: c.496G>A on transcript NM_024735.5 (MANE Select); coding-DNA position 496, G replaced by A.
Protein change: p.Gly166Ser; replaces glycine 166 with serine.
Molecular consequence: missense variant. On other transcripts: 5 prime UTR variant (1).
Genome position (GRCh38, 1-based): chr16:87,343,759, C>T on the plus strand (G>A on the coding strand, the complement: FBXO31 is on the minus strand). VCF-style: chr16-87343759-C-T. GRCh37 (hg19) VCF-style: chr16-87377365-C-T.
Other names: c.-21G>A (NM_001282683.2); short protein forms G166S.
Identifiers: ClinVar variation 2630576 (VCV002630576.1), dbSNP rs779067828, ClinGen allele CA8219193.